The following is an entry in ClinVar:

NM_033200.3(LMF2):c.747C>T (p.Arg249=)

Gene: LMF2 (lipase maturation factor 2; minus strand). Cytogenetic location: 22q13.33.
Variant type: single nucleotide variant.
Coding change: c.747C>T on transcript NM_033200.3 (MANE Select); coding-DNA position 747, C replaced by T.
Protein change: p.Arg249=; no amino-acid change (arginine 249 retained).
Molecular consequence: synonymous variant.
Genome position (GRCh38, 1-based): chr22:50,506,062, G>A on the plus strand (C>T on the coding strand, the complement: LMF2 is on the minus strand). VCF-style: chr22-50506062-G-A. GRCh37 (hg19) VCF-style: chr22-50944491-G-A.
Other names: c.672C>T, p.Arg224= (NM_001363816.2).
Identifiers: ClinVar variation 2653396 (VCV002653396.24), dbSNP rs141408392, ClinGen allele CA10319930.
Genomic context (GRCh38, chr22:50,506,062, plus strand): 5'-TGCCTCTCTCTGACAGCTGCGGCCCTCACCCACCTGCGAGTAGAAAGCAGCCAAGCGCAG[G>A]CGTCGAATGGGGGCGAAGAACAGGGGCGGCACAGCGATCTCAATTAGGAAGGTGGCCACC-3'
Protein context (NP_149977.2, residues 239-259): VPPLFFAPIR[Arg249=]LRLAAFYSQV

ClinVar aggregate classification (germline): Likely benign (1 of 4 stars; one submission).

Allele frequency attached by ClinVar (database versions not stated): 1000 Genomes Project 30x 0.00125; 1000 Genomes Project 0.00140; TOPMed 0.00229; ESP Exome Variant Server 0.00231; gnomAD 0.00281; gnomAD exomes 0.00341; ExAC 0.00635.
gnomAD v4.1: 5,336 of 1,591,304 alleles (0.34%); highest among the groups gnomAD compares: Non-Finnish European, 0.35%; 8 homozygotes.

Submission:

CeGaT Center for Human Genetics Tuebingen
Classification: Likely benign. Last evaluated: 2023-03-01. Review status: criteria provided, single submitter. Criteria: CeGaT Center For Human Genetics Tuebingen Variant Classification Criteria Version 2. Collection method: clinical testing. Allele origin: germline. Affected: yes. Observed: 1 variant allele.
Comment: LMF2: BP4, BP7